The following is an entry in ClinVar:

NM_000812.4(GABRB1):c.1231C>A (p.Arg411Ser)

Gene: GABRB1 (gamma-aminobutyric acid type A receptor subunit beta1; plus strand). Cytogenetic location: 4p12.
Variant type: single nucleotide variant.
Coding change: c.1231C>A on transcript NM_000812.4 (MANE Select); coding-DNA position 1231, C replaced by A.
Protein change: p.Arg411Ser; replaces arginine 411 with serine.
Molecular consequence: missense variant.
Genome position (GRCh38, 1-based): chr4:47,425,824, C>A. VCF-style: chr4-47425824-C-A. GRCh37 (hg19) VCF-style: chr4-47427841-C-A.
Other names: c.1231C>A (NM_000812.3); short protein forms R411S.
Identifiers: ClinVar variation 1355462 (VCV001355462.30), dbSNP rs536552539, ClinGen allele CA2907782.

ClinVar aggregate classification (germline): Uncertain significance. Review status: criteria provided, multiple submitters, no conflicts (2 of 4 stars). 3 submissions from 3 submitters: Uncertain significance (3). Last evaluated 2025-10-08.

Allele frequency attached by ClinVar (database versions not stated): ExAC 0.00005; gnomAD exomes 0.00006; TOPMed 0.00006; gnomAD 0.00008.
gnomAD v4.1: 147 of 1,613,988 alleles (0.0091%); highest among the groups gnomAD compares: Non-Finnish European, 0.012%; no homozygotes.

Submissions (3):

Labcorp Genetics (formerly Invitae), Labcorp
Classification: Uncertain significance. Last evaluated: 2025-10-08. Review status: criteria provided, single submitter. Criteria: Invitae Variant Classification Sherloc (09022015). Collection method: clinical testing. Allele origin: germline.
Comment: This sequence change replaces arginine, which is basic and polar, with serine, which is neutral and polar, at codon 411 of the GABRB1 protein (p.Arg411Ser). This variant is present in population databases (rs536552539, gnomAD 0.01%). This variant has not been reported in the literature in individuals affected with GABRB1-related conditions. ClinVar contains an entry for this variant (Variation ID: 1355462). Invitae Evidence Modeling of protein sequence and biophysical properties (such as structural, functional, and spatial information, amino acid conservation, physicochemical variation, residue mobility, and thermodynamic stability) indicates that this missense variant is not expected to disrupt GABRB1 protein function with a negative predictive value of 95%. In summary, the available evidence is currently insufficient to determine the role of this variant in disease. Therefore, it has been classified as a Variant of Uncertain Significance.

CeGaT Center for Human Genetics Tuebingen
Classification: Uncertain significance. Last evaluated: 2022-11-01. Review status: criteria provided, single submitter. Criteria: CeGaT Center For Human Genetics Tuebingen Variant Classification Criteria Version 2. Collection method: clinical testing. Allele origin: germline. Affected: yes. Observed: 1 variant allele.

Ambry Genetics
Classification: Uncertain significance. Last evaluated: 2021-09-17. Review status: criteria provided, single submitter. Criteria: Ambry Variant Classification Scheme 2023. Collection method: clinical testing. Allele origin: germline.